The following is an entry in ClinVar:

NM_001184880.2(PCDH19):c.1697C>A (p.Pro566Gln)

Gene: PCDH19 (protocadherin 19; minus strand). Cytogenetic location: Xq22.1.
Variant type: single nucleotide variant.
Coding change: c.1697C>A on transcript NM_001184880.2 (MANE Select); coding-DNA position 1697, C replaced by A.
Protein change: p.Pro566Gln; replaces proline 566 with glutamine.
Molecular consequence: missense variant.
Genome position (GRCh38, 1-based): chrX:100,406,901, G>T on the plus strand (C>A on the coding strand, the complement: PCDH19 is on the minus strand). VCF-style: chrX-100406901-G-T. GRCh37 (hg19) VCF-style: chrX-99661899-G-T.
Other names: c.1697C>A, p.Pro566Gln (NM_001105243.2, NM_020766.3); short protein forms P566Q.
Identifiers: ClinVar variation 521852 (VCV000521852.4), dbSNP rs1555985059, ClinGen allele CA414002165.

ClinVar aggregate classification (germline): Likely pathogenic (1 of 4 stars; one submission).

Conditions:
Inborn genetic diseases. Identifiers: MedGen C0950123, MeSH D030342.

Submission:

Ambry Genetics
Classification: Likely pathogenic for Inborn genetic diseases. Last evaluated: 2018-03-07. Review status: criteria provided, single submitter. Criteria: Ambry Variant Classification Scheme 2023. Collection method: clinical testing. Allele origin: germline.
Comment: The p.P566Q variant (also known as c.1697C>A), located in coding exon 1 of the PCDH19 gene, results from a C to A substitution at nucleotide position 1697. The proline at codon 566 is replaced by glutamine, an amino acid with similar properties. This variant has been determined to be the result of a de novo mutation or germline mosaicism in one family with an isolated case of intellectual disability and speech delay (Ambry internal data). This amino acid position is highly conserved in available vertebrate species. In addition, the in silico prediction for this alteration is inconclusive. Our internal structural analysis revealed that this variant is buried in the domain needed for protein adhesion and is more disruptive than known pathogenic variants (Goodman KM et al. Neuron, 2016 05;90:709-23). Based on the majority of available evidence to date, this variant is likely to be pathogenic.

Literature cited by the submitters: PubMed 27161523.